The following is an entry in ClinVar:

NM_002907.4(RECQL):c.779A>C (p.His260Pro)

Gene: RECQL (RecQ like helicase; minus strand). Cytogenetic location: 12p12.1.
Variant type: single nucleotide variant.
Coding change: c.779A>C on transcript NM_002907.4 (MANE Select); coding-DNA position 779, A replaced by C.
Protein change: p.His260Pro; replaces histidine 260 with proline.
Molecular consequence: missense variant.
Genome position (GRCh38, 1-based): chr12:21,477,891, T>G on the plus strand (A>C on the coding strand, the complement: RECQL is on the minus strand). VCF-style: chr12-21477891-T-G. GRCh37 (hg19) VCF-style: chr12-21630825-T-G.
Other names: c.779A>C, p.His260Pro (NM_032941.3); short protein forms H260P.
Identifiers: ClinVar variation 1489174 (VCV001489174.14), dbSNP rs773219645, ClinGen allele CA6478976.
Genomic context (GRCh38, chr12:21,477,891, plus strand): 5'-GAAGCTGTAAAAGTAAAACACTTTTCAATGCACAAAATTTTCTGAGCATCCGTCAAAACG[T>G]GATTTGTTGCAGTTGCAGTCAGCCCAATTAGTGATGCGTTAGGGAACTGCCGCTTTAAGA-3'
Protein context (NP_002898.2, residues 250-270): LIGLTATATN[His260Pro]VLTDAQKILC

ClinVar aggregate classification (germline): Uncertain significance. Review status: criteria provided, multiple submitters, no conflicts (2 of 4 stars). 5 submissions from 5 submitters: Uncertain significance (5). Last evaluated 2025-06-22.

Conditions:
RECON progeroid syndrome (RECON). Identifiers: MedGen C5830504, MONDO:0957266, OMIM 620370.

Allele frequency attached by ClinVar (database versions not stated): ExAC 0.00001; gnomAD 0.00001; gnomAD exomes 0.00001 and 0.00002; TOPMed 0.00001.
gnomAD v4.1: 7 of 1,613,848 alleles (0.00043%); highest among the groups gnomAD compares: Middle Eastern, 0.016%; no homozygotes.

Submissions (5):

Ambry Genetics
Classification: Uncertain significance. Last evaluated: 2025-06-22. Review status: criteria provided, single submitter. Criteria: Ambry Variant Classification Scheme 2023. Collection method: clinical testing. Allele origin: germline.

Quest Diagnostics Nichols Institute San Juan Capistrano
Classification: Uncertain significance. Last evaluated: 2025-05-13. Review status: criteria provided, single submitter. Criteria: Quest Diagnostics criteria. Collection method: clinical testing. Allele origin: unknown.
Comment: This test has identified one copy of the c.779A>C (p.His260Pro) variant in the RECQL gene. To the best of our knowledge, this variant has not been reported in the published literature. The frequency of this variant in the general population (Genome Aggregation Database) is uninformative in the assessment of its pathogenicity. Analysis of this variant using bioinformatics tools (i.e., MutationTaster and PolyPhen-2) for the prediction of the effect of amino acid changes on protein structure and function yielded predictions that this variant is benign. Based on the available information, we are unable to determine the clinical significance of this variant.

Labcorp Genetics (formerly Invitae), Labcorp
Classification: Uncertain significance. Last evaluated: 2023-12-06. Review status: criteria provided, single submitter. Criteria: Invitae Variant Classification Sherloc (09022015). Collection method: clinical testing. Allele origin: germline.
Comment: This sequence change replaces histidine, which is basic and polar, with proline, which is neutral and non-polar, at codon 260 of the RECQL protein (p.His260Pro). This variant is present in population databases (rs773219645, gnomAD 0.01%). This variant has not been reported in the literature in individuals affected with RECQL-related conditions. ClinVar contains an entry for this variant (Variation ID: 1489174). Advanced modeling of protein sequence and biophysical properties (such as structural, functional, and spatial information, amino acid conservation, physicochemical variation, residue mobility, and thermodynamic stability) performed at Invitae indicates that this missense variant is not expected to disrupt RECQL protein function with a negative predictive value of 80%. In summary, the available evidence is currently insufficient to determine the role of this variant in disease. Therefore, it has been classified as a Variant of Uncertain Significance.

ARUP Laboratories, Molecular Genetics and Genomics, ARUP Laboratories
Classification: Uncertain significance for RECON progeroid syndrome. Last evaluated: 2023-11-22. Review status: criteria provided, single submitter. Criteria: ARUP Molecular Germline Variant Investigation Process 2024. Collection method: clinical testing. Allele origin: germline.
Comment: The RECQL c.779A>C; p.His260Pro variant (rs773219645), to our knowledge, is not reported in the medical literature but is reported in ClinVar (Variation ID: 1489174). This variant is found in the general population with an overall allele frequency of 0.002% (5/282296 alleles) in the Genome Aggregation Database (v2.1.1). Computational analyses are uncertain whether this variant is neutral or deleterious (REVEL: 0.294). Due to limited information, the clinical significance of this variant is uncertain at this time.

Blueprint Genetics
Classification: Uncertain significance. Last evaluated: 2023-05-16. Review status: criteria provided, single submitter. Criteria: ACMG Guidelines, 2015. Collection method: clinical testing. Allele origin: germline.